The following is an entry in ClinVar:

NM_001009999.3(KDM1A):c.2185G>A (p.Ala729Thr)

Gene: KDM1A (lysine demethylase 1A; plus strand). Cytogenetic location: 1p36.12.
Variant type: single nucleotide variant.
Coding change: c.2185G>A on transcript NM_001009999.3 (MANE Select); coding-DNA position 2185, G replaced by A.
Protein change: p.Ala729Thr; replaces alanine 729 with threonine.
Molecular consequence: missense variant.
Genome position (GRCh38, 1-based): chr1:23,081,460, G>A. VCF-style: chr1-23081460-G-A. GRCh37 (hg19) VCF-style: chr1-23407953-G-A.
Other names: c.2131G>A, p.Ala711Thr (NM_001363654.2); c.2191G>A, p.Ala731Thr (NM_001410762.1); c.2113G>A, p.Ala705Thr (NM_001410763.1, NM_015013.4); short protein forms A705T, A729T, A711T, A731T.
Identifiers: ClinVar variation 3532997 (VCV003532997.2).

ClinVar aggregate classification (germline): Uncertain significance (1 of 4 stars; one submission).

Conditions:
Inborn genetic diseases. Identifiers: MedGen C0950123, MeSH D030342.

gnomAD v4.1: 2 of 1,614,108 alleles (0.00012%); highest among the groups gnomAD compares: Non-Finnish European, 0.00017%; no homozygotes.

Submission:

Ambry Genetics
Classification: Uncertain significance for Inborn genetic diseases. Last evaluated: 2025-01-13. Review status: criteria provided, single submitter. Criteria: Ambry Variant Classification Scheme 2023. Collection method: clinical testing. Allele origin: germline.
Comment: The p.A729T variant (also known as c.2185G>A), located in coding exon 19 of the KDM1A gene, results from a G to A substitution at nucleotide position 2185. The alanine at codon 729 is replaced by threonine, an amino acid with similar properties. This amino acid position is conserved. In addition, this alteration is predicted to be deleterious by in silico analysis. Based on the available evidence, the clinical significance of this variant remains unclear.